The following is an entry in ClinVar:

ClinVar aggregate classification (germline): Uncertain significance (1 of 4 stars; one submission).

Conditions:
Inborn genetic diseases. Identifiers: MedGen C0950123, MeSH D030342.

gnomAD v4.1: 10 of 1,614,124 alleles (0.00062%); highest among the groups gnomAD compares: Non-Finnish European, 0.00085%; no homozygotes.

Submission:

Ambry Genetics
Classification: Uncertain significance for Inborn genetic diseases. Last evaluated: 2025-07-07. Review status: criteria provided, single submitter. Criteria: Ambry Variant Classification Scheme 2023. Collection method: clinical testing. Allele origin: germline.
Comment: The p.I1633M variant (also known as c.4899C>G), located in coding exon 32 of the ANKRD26 gene, results from a C to G substitution at nucleotide position 4899. The isoleucine at codon 1633 is replaced by methionine, an amino acid with highly similar properties. This amino acid position is conserved. In addition, this alteration is predicted to be tolerated by in silico analysis. Based on the available evidence, the clinical significance of this variant remains unclear.

NM_014915.3(ANKRD26):c.4899C>G (p.Ile1633Met)

Gene: ANKRD26 (ankyrin repeat domain containing 26; minus strand). Cytogenetic location: 10p12.1.
Variant type: single nucleotide variant.
Coding change: c.4899C>G on transcript NM_014915.3 (MANE Select); coding-DNA position 4899, C replaced by G.
Protein change: p.Ile1633Met; replaces isoleucine 1633 with methionine.
Molecular consequence: missense variant.
Genome position (GRCh38, 1-based): chr10:27,012,936, G>C on the plus strand (C>G on the coding strand, the complement: ANKRD26 is on the minus strand). VCF-style: chr10-27012936-G-C. GRCh37 (hg19) VCF-style: chr10-27301865-G-C.
Other names: c.4896C>G, p.Ile1632Met (NM_001256053.2); short protein forms I1633M, I1632M.
Identifiers: ClinVar variation 4102591 (VCV004102591.1).